The following is an entry in ClinVar:

NM_000138.5(FBN1):c.6718G>T (p.Glu2240Ter)

Gene: FBN1 (fibrillin 1; minus strand). Cytogenetic location: 15q21.1.
Variant type: single nucleotide variant.
Coding change: c.6718G>T on transcript NM_000138.5 (MANE Select); coding-DNA position 6718, G replaced by T.
Protein change: p.Glu2240Ter; replaces glutamic acid 2240 with a stop codon.
Molecular consequence: nonsense.
Genome position (GRCh38, 1-based): chr15:48,432,887, C>A on the plus strand (G>T on the coding strand, the complement: FBN1 is on the minus strand). VCF-style: chr15-48432887-C-A. GRCh37 (hg19) VCF-style: chr15-48725084-C-A.
Other names: c.6718G>T, p.Glu2240Ter (NM_001406716.1); short protein forms E2240*.
Identifiers: ClinVar variation 2015138 (VCV002015138.4), dbSNP rs2505424789, ClinGen allele CA392333276.
Genomic context (GRCh38, chr15:48,432,887, plus strand): 5'-AGCTTCCTGGCTTAGATGACCTTGAACACGATGACTCACCTTTGCACATCCTACGGTCTT[C>A]TCTGAGCACATATCCCACGGGACATTTGCATTCATATGACCCATAAGTGTTCACACATCG-3'

ClinVar aggregate classification (germline): Pathogenic (1 of 4 stars; one submission).

Conditions:
Familial thoracic aortic aneurysm and aortic dissection (TAAD). Also called: Thoracic aortic aneurysms and dissections. Identifiers: Orphanet 91387, MedGen C4707243, MONDO:0019625.
Marfan syndrome (MFS). Also called: MARFAN SYNDROME, TYPE I; Marfan syndrome type 1; Marfan's syndrome; Marfan syndrome, classic; FBN1-Related Marfan Syndrome. Identifiers: Orphanet 284963, Orphanet 558, MedGen C0024796, MONDO:0007947, OMIM 154700.

Submission:

Labcorp Genetics (formerly Invitae), Labcorp
Classification: Pathogenic for Marfan syndrome; Familial thoracic aortic aneurysm and aortic dissection. Last evaluated: 2024-10-12. Review status: criteria provided, single submitter. Criteria: Invitae Variant Classification Sherloc (09022015). Collection method: clinical testing. Allele origin: germline.
Comment: This sequence change creates a premature translational stop signal (p.Glu2240*) in the FBN1 gene. It is expected to result in an absent or disrupted protein product. Loss-of-function variants in FBN1 are known to be pathogenic (PMID: 17657824, 19293843). This variant is not present in population databases (gnomAD no frequency). This variant has not been reported in the literature in individuals affected with FBN1-related conditions. ClinVar contains an entry for this variant (Variation ID: 2015138). Algorithms developed to predict the effect of sequence changes on RNA splicing suggest that this variant may disrupt the consensus splice site. For these reasons, this variant has been classified as Pathogenic.

Literature cited by the submitters: PubMed 17657824; PubMed 19293843.